The following is an entry in ClinVar:

ClinVar aggregate classification (germline): Uncertain significance (1 of 4 stars; one submission).

Conditions:
Hereditary cancer-predisposing syndrome. Also called: Neoplastic Syndromes, Hereditary; Tumor predisposition; Hereditary Cancer Syndrome; Hereditary neoplastic syndrome. Identifiers: Orphanet 140162, MedGen C0027672, MeSH D009386, MONDO:0015356.

Submission:

Ambry Genetics
Classification: Uncertain significance for Hereditary cancer-predisposing syndrome. Last evaluated: 2022-02-13. Review status: criteria provided, single submitter. Criteria: Ambry Variant Classification Scheme 2023. Collection method: clinical testing. Allele origin: germline.
Comment: The p.L714M variant (also known as c.2140C>A), located in coding exon 16 of the POLD1 gene, results from a C to A substitution at nucleotide position 2140. The leucine at codon 714 is replaced by methionine, an amino acid with highly similar properties. This amino acid position is conserved. In addition, this alteration is predicted to be tolerated by in silico analysis. Since supporting evidence is limited at this time, the clinical significance of this alteration remains unclear.

NM_002691.4(POLD1):c.2140C>A (p.Leu714Met)

Gene: POLD1 (DNA polymerase delta 1, catalytic subunit; plus strand). Cytogenetic location: 19q13.33.
Variant type: single nucleotide variant.
Coding change: c.2140C>A on transcript NM_002691.4 (MANE Select); coding-DNA position 2140, C replaced by A.
Protein change: p.Leu714Met; replaces leucine 714 with methionine.
Molecular consequence: missense variant. On other transcripts: non-coding transcript variant (1).
Genome position (GRCh38, 1-based): chr19:50,409,652, C>A. VCF-style: chr19-50409652-C-A. GRCh37 (hg19) VCF-style: chr19-50912909-C-A.
Other names: c.2140C>A, p.Leu714Met (NM_001256849.1); c.2218C>A, p.Leu740Met (NM_001308632.1); short protein forms L714M, L740M.
Identifiers: ClinVar variation 1786577 (VCV001786577.2), dbSNP rs2122389691, ClinGen allele CA406982711.